The following is an entry in ClinVar:

ClinVar aggregate classification (germline): Pathogenic (1 of 4 stars; one submission).

Conditions:
Mucopolysaccharidosis, MPS-IV-B (MPS4B). Also called: Mucopolysaccharidosis type IV B; Mucopolysaccharidosis Type IVB; Mucopolysaccharidosis type 4B; Mucopolysaccharidosis type IVB (Morquio); MPS IVB; MORQUIO SYNDROME B. Identifiers: Orphanet 309310, Orphanet 582, MedGen C0086652, MONDO:0009660, OMIM 253010.
GM1 gangliosidosis. Identifiers: Orphanet 354, MedGen C0085131, MONDO:0018149.

Submission:

Labcorp Genetics (formerly Invitae), Labcorp
Classification: Pathogenic for Mucopolysaccharidosis, MPS-IV-B; GM1 gangliosidosis. Last evaluated: 2023-03-10. Review status: criteria provided, single submitter. Criteria: Invitae Variant Classification Sherloc (09022015). Collection method: clinical testing. Allele origin: germline.
Comment: This sequence change replaces leucine, which is neutral and non-polar, with proline, which is neutral and non-polar, at codon 463 of the GLB1 protein (p.Leu463Pro). This variant is not present in population databases (gnomAD no frequency). This missense change has been observed in individual(s) with clinical features of GM1 gangliosidosis (PMID: 33240792; Invitae). In at least one individual the data is consistent with being in trans (on the opposite chromosome) from a pathogenic variant. ClinVar contains an entry for this variant (Variation ID: 1057305). Advanced modeling of protein sequence and biophysical properties (such as structural, functional, and spatial information, amino acid conservation, physicochemical variation, residue mobility, and thermodynamic stability) performed at Invitae indicates that this missense variant is expected to disrupt GLB1 protein function. For these reasons, this variant has been classified as Pathogenic.

Literature cited by the submitters: PubMed 33240792.

NM_000404.4(GLB1):c.1388T>C (p.Leu463Pro)

Gene: GLB1 (galactosidase beta 1; minus strand). Cytogenetic location: 3p22.3.
Variant type: single nucleotide variant.
Coding change: c.1388T>C on transcript NM_000404.4 (MANE Select); coding-DNA position 1388, T replaced by C.
Protein change: p.Leu463Pro; replaces leucine 463 with proline.
Molecular consequence: missense variant.
Genome position (GRCh38, 1-based): chr3:33,016,800, A>G on the plus strand (T>C on the coding strand, the complement: GLB1 is on the minus strand). VCF-style: chr3-33016800-A-G. GRCh37 (hg19) VCF-style: chr3-33058292-A-G.
Other names: c.1532T>C, p.Leu511Pro (NM_001317040.2); c.1298T>C, p.Leu433Pro (NM_001079811.3); c.995T>C, p.Leu332Pro (NM_001135602.3); short protein forms L332P, L433P, L463P, L511P.
Identifiers: ClinVar variation 1057305 (VCV001057305.5), dbSNP rs2125467060, ClinGen allele CA351989524.